The following is an entry in ClinVar:

ClinVar aggregate classification (germline): Uncertain significance (1 of 4 stars; one submission).

Conditions:
Primary ciliary dyskinesia. Also called: Ciliary dyskinesia. Identifiers: Orphanet 244, MedGen C0008780, MONDO:0016575, HP:0012265.

gnomAD v4.1: 7 of 1,614,018 alleles (0.00043%); highest among the groups gnomAD compares: Middle Eastern, 0.016%; no homozygotes.

Submission:

Labcorp Genetics (formerly Invitae), Labcorp
Classification: Uncertain significance for Primary ciliary dyskinesia. Last evaluated: 2024-11-11. Review status: criteria provided, single submitter. Criteria: Invitae Variant Classification Sherloc (09022015). Collection method: clinical testing. Allele origin: germline.
Comment: This sequence change replaces valine, which is neutral and non-polar, with isoleucine, which is neutral and non-polar, at codon 2473 of the DNAH8 protein (p.Val2473Ile). This variant is present in population databases (rs760138551, gnomAD 0.003%). This variant has not been reported in the literature in individuals affected with DNAH8-related conditions. Invitae Evidence Modeling of protein sequence and biophysical properties (such as structural, functional, and spatial information, amino acid conservation, physicochemical variation, residue mobility, and thermodynamic stability) indicates that this missense variant is not expected to disrupt DNAH8 protein function with a negative predictive value of 80%. In summary, the available evidence is currently insufficient to determine the role of this variant in disease. Therefore, it has been classified as a Variant of Uncertain Significance.

NM_001206927.2(DNAH8):c.7417G>A (p.Val2473Ile)

Gene: DNAH8 (dynein axonemal heavy chain 8; plus strand). Cytogenetic location: 6p21.2.
Variant type: single nucleotide variant.
Coding change: c.7417G>A on transcript NM_001206927.2 (MANE Select); coding-DNA position 7417, G replaced by A.
Protein change: p.Val2473Ile; replaces valine 2473 with isoleucine.
Molecular consequence: missense variant.
Genome position (GRCh38, 1-based): chr6:38,873,085, G>A. VCF-style: chr6-38873085-G-A. GRCh37 (hg19) VCF-style: chr6-38840861-G-A.
Other names: c.6766G>A, p.Val2256Ile (NM_001371.4); short protein forms V2256I, V2473I.
Identifiers: ClinVar variation 3654489 (VCV003654489.2).
Genomic context (GRCh38, chr6:38,873,085, plus strand): 5'-GCCCCTAGTTGTAAGCTTCTGTTTGAAGTCCACAATATCGAGAACGCCTCTCCTGCCACG[G>A]TTTCTAGGATGGGCATGGTCTATATCAGCAGCTCTGCTCTCAGCTGGAGGCCAATCTTAC-3'
Protein context (NP_001193856.1, residues 2463-2483): HNIENASPAT[Val2473Ile]SRMGMVYISS